The following is an entry in ClinVar:

NM_001985.3(ETFB):c.186C>T (p.Ile62=)

Gene: ETFB (electron transfer flavoprotein subunit beta; minus strand). Cytogenetic location: 19q13.41.
Variant type: single nucleotide variant.
Coding change: c.186C>T on transcript NM_001985.3 (MANE Select); coding-DNA position 186, C replaced by T.
Protein change: p.Ile62=; no amino-acid change (isoleucine 62 retained).
Molecular consequence: synonymous variant.
Genome position (GRCh38, 1-based): chr19:51,354,180, G>A on the plus strand (C>T on the coding strand, the complement: ETFB is on the minus strand). VCF-style: chr19-51354180-G-A. GRCh37 (hg19) VCF-style: chr19-51857434-G-A.
Other names: c.459C>T, p.Ile153= (NM_001014763.1); c.186C>T (NM_001985.2).
Identifiers: ClinVar variation 2154515 (VCV002154515.6), dbSNP rs374583902, ClinGen allele CA9610839.

ClinVar aggregate classification (germline): Likely benign. Review status: criteria provided, multiple submitters, no conflicts (2 of 4 stars). 3 submissions from 3 submitters: Likely benign (3). Last evaluated 2026-02-01.

Conditions:
ETFB-related disorder. Also called: ETFB-related condition.
Multiple acyl-CoA dehydrogenase deficiency (MADD). Also called: ETHYLMALONIC-ADIPICACIDURIA; GA II; Glutaric acidemia type II; GA 2; Glutaric aciduria, type 2; Glutaric Acidemia type 2. Identifiers: Orphanet 26791, MedGen C0268596, MONDO:0009282, OMIM 231680.

Allele frequency attached by ClinVar (database versions not stated): ExAC 0.00005; gnomAD 0.00007; TOPMed 0.00011; ESP Exome Variant Server 0.00015.
gnomAD v4.1: 45 of 1,613,962 alleles (0.0028%); highest among the groups gnomAD compares: African/African-American, 0.02%; no homozygotes.

Submissions (3):

Labcorp Genetics (formerly Invitae), Labcorp
Classification: Likely benign for Multiple acyl-CoA dehydrogenase deficiency. Last evaluated: 2026-02-01. Review status: criteria provided, single submitter. Criteria: Invitae Variant Classification Sherloc (09022015). Collection method: clinical testing. Allele origin: germline.

PreventionGenetics, part of Exact Sciences
Classification: Likely benign for ETFB-related condition. Last evaluated: 2025-02-14. Review status: criteria provided, single submitter. Criteria: ACMG Guidelines, 2015. Collection method: clinical testing. Allele origin: germline.
Comment: This variant is classified as likely benign based on ACMG/AMP sequence variant interpretation guidelines (Richards et al. 2015 PMID: 25741868, with internal and published modifications).

Blueprint Genetics
Classification: Likely benign. Last evaluated: 2023-11-10. Review status: criteria provided, single submitter. Criteria: ACMG Guidelines, 2015. Collection method: clinical testing. Allele origin: germline.